The following is an entry in ClinVar:

ClinVar aggregate classification (germline): Uncertain significance (1 of 4 stars; one submission).

Conditions:
HYPERHOMOCYSTEINEMIA, THROMBOTIC, CBS-RELATED. Identifiers: MedGen C3150344, OMIM 236200.

Submission:

Labcorp Genetics (formerly Invitae), Labcorp
Classification: Uncertain significance for HYPERHOMOCYSTEINEMIA, THROMBOTIC, CBS-RELATED. Last evaluated: 2021-08-16. Review status: criteria provided, single submitter. Criteria: Invitae Variant Classification Sherloc (09022015). Collection method: clinical testing. Allele origin: germline.
Comment: In summary, the available evidence is currently insufficient to determine the role of this variant in disease. Therefore, it has been classified as a Variant of Uncertain Significance. Algorithms developed to predict the effect of missense changes on protein structure and function (SIFT, PolyPhen-2, Align-GVGD) all suggest that this variant is likely to be tolerated. This variant has not been reported in the literature in individuals affected with CBS-related conditions. This variant is not present in population databases (ExAC no frequency). This sequence change replaces threonine with lysine at codon 403 of the CBS protein (p.Thr403Lys). The threonine residue is weakly conserved and there is a moderate physicochemical difference between threonine and lysine.

NM_000071.3(CBS):c.1208C>A (p.Thr403Lys)

Gene: CBS (cystathionine beta-synthase; minus strand). Cytogenetic location: 21q22.3.
Variant type: single nucleotide variant.
Coding change: c.1208C>A on transcript NM_000071.3 (MANE Select); coding-DNA position 1208, C replaced by A.
Protein change: p.Thr403Lys; replaces threonine 403 with lysine.
Molecular consequence: missense variant.
Genome position (GRCh38, 1-based): chr21:43,059,241, G>T on the plus strand (C>A on the coding strand, the complement: CBS is on the minus strand). VCF-style: chr21-43059241-G-T. GRCh37 (hg19) VCF-style: chr21-44479351-G-T.
Other names: c.1208C>A, p.Thr403Lys (NM_001178008.3, NM_001178009.3, NM_001320298.2); c.893C>A, p.Thr298Lys (NM_001321072.1); short protein forms T403K, T298K.
Identifiers: ClinVar variation 1504915 (VCV001504915.4), dbSNP rs886042297, ClinGen allele CA410397667.
Genomic context (GRCh38, chr21:43,059,241, plus strand): 5'-GGCAGGGCCAGCACAGGCAGCGGGTCTCCGGCCGAGCGGTCTTACCAGGGCTTCTTCTCC[G>T]TGAGGTCCTCCTCCTTCAGAAAGCCCTTCTGCAGCATCCACCTGTCGCTCAGGAACTTGG-3'
Protein context (NP_000062.1, residues 393-413): QKGFLKEEDL[Thr403Lys]EKKPWWWHLR